The following is an entry in ClinVar:

ClinVar aggregate classification (germline): Uncertain significance. Review status: criteria provided, multiple submitters, no conflicts (2 of 4 stars). 2 submissions from 2 submitters: Uncertain significance (2). Last evaluated 2025-02-06.

Conditions:
Hereditary cancer-predisposing syndrome. Also called: Tumor predisposition; Neoplastic Syndromes, Hereditary; Hereditary neoplastic syndrome; Hereditary Cancer Syndrome. Identifiers: Orphanet 140162, MedGen C0027672, MeSH D009386, MONDO:0015356.
Familial adenomatous polyposis 1 (FAP1). Also called: FAMILIAL ADENOMATOUS POLYPOSIS 1, ATTENUATED; POLYPOSIS, ADENOMATOUS INTESTINAL. Identifiers: MedGen C2713442, MONDO:0021056, OMIM 175100. Disease mechanism: loss of function.

Submissions (2):

Ambry Genetics
Classification: Uncertain significance for Hereditary cancer-predisposing syndrome. Last evaluated: 2025-02-06. Review status: criteria provided, single submitter. Criteria: Ambry Variant Classification Scheme 2023. Collection method: clinical testing. Allele origin: germline.
Comment: The p.S2343C variant (also known as c.7028C>G), located in coding exon 15 of the APC gene, results from a C to G substitution at nucleotide position 7028. The serine at codon 2343 is replaced by cysteine, an amino acid with dissimilar properties. This amino acid position is conserved. In addition, in silico predictors for this gene do not accurately predict pathogenicity. Based on the available evidence, the clinical significance of this variant remains unclear.

Labcorp Genetics (formerly Invitae), Labcorp
Classification: Uncertain significance for Familial adenomatous polyposis 1. Last evaluated: 2022-08-23. Review status: criteria provided, single submitter. Criteria: Invitae Variant Classification Sherloc (09022015). Collection method: clinical testing. Allele origin: germline.
Comment: This variant is not present in population databases (gnomAD no frequency). This variant has not been reported in the literature in individuals affected with APC-related conditions. ClinVar contains an entry for this variant (Variation ID: 1518095). Algorithms developed to predict the effect of missense changes on protein structure and function are either unavailable or do not agree on the potential impact of this missense change (SIFT: "Tolerated"; PolyPhen-2: "Probably Damaging"; Align-GVGD: "Class C0"). In summary, the available evidence is currently insufficient to determine the role of this variant in disease. Therefore, it has been classified as a Variant of Uncertain Significance. This sequence change replaces serine, which is neutral and polar, with cysteine, which is neutral and slightly polar, at codon 2343 of the APC protein (p.Ser2343Cys).

NM_000038.6(APC):c.7028C>G (p.Ser2343Cys)

Gene: APC (APC regulator of Wnt signaling pathway; plus strand). Cytogenetic location: 5q22.2.
Variant type: single nucleotide variant.
Coding change: c.7028C>G on transcript NM_000038.6 (MANE Select); coding-DNA position 7028, C replaced by G.
Protein change: p.Ser2343Cys; replaces serine 2343 with cysteine.
Molecular consequence: missense variant.
Genome position (GRCh38, 1-based): chr5:112,842,622, C>G. VCF-style: chr5-112842622-C-G. GRCh37 (hg19) VCF-style: chr5-112178319-C-G.
Other names: c.7028C>G, p.Ser2343Cys (NM_001127510.3, NM_001354895.2); c.6974C>G, p.Ser2325Cys (NM_001127511.3); c.7082C>G, p.Ser2361Cys (NM_001354896.2); c.7058C>G, p.Ser2353Cys (NM_001354897.2); c.6953C>G, p.Ser2318Cys (NM_001354898.2); c.6944C>G, p.Ser2315Cys (NM_001354899.2); c.6905C>G, p.Ser2302Cys (NM_001354900.2); c.6851C>G, p.Ser2284Cys (NM_001354901.2); and 6 more; short protein forms S2318C, S2343C, S2361C, S2060C, S2183C, S2302C, S2325C, S2217C.
Identifiers: ClinVar variation 1518095 (VCV001518095.9), dbSNP rs1064795972, ClinGen allele CA16036652.